The following is an entry in ClinVar:

ClinVar aggregate classification (germline): Uncertain significance (1 of 4 stars; one submission).

Conditions:
IFT74-related disorder. Also called: IFT74-related condition; IFT74-Related Disorders.

Allele frequency attached by ClinVar (database versions not stated): gnomAD exomes below 0.00001; gnomAD 0.00001; TOPMed 0.00001.
gnomAD v4.1: 4 of 1,525,702 alleles (0.00026%); highest among the groups gnomAD compares: African/African-American, 0.0055%; no homozygotes.

Submission:

PreventionGenetics, part of Exact Sciences
Classification: Uncertain significance for IFT74-related condition. Last evaluated: 2025-12-28. Review status: criteria provided, single submitter. Criteria: ACMG Guidelines, 2015. Collection method: clinical testing. Allele origin: germline.
Comment: The IFT74 c.950A>G variant is predicted to result in the amino acid substitution p.Gln317Arg. To our knowledge, this variant has not been reported in the literature or in a large population database (gnomAD), indicating this variant is rare. At this time, the clinical significance of this variant is uncertain due to the absence of conclusive functional and genetic evidence.

NM_025103.4(IFT74):c.950A>G (p.Gln317Arg)

Gene: IFT74 (intraflagellar transport 74; plus strand). Cytogenetic location: 9p21.2.
Variant type: single nucleotide variant.
Coding change: c.950A>G on transcript NM_025103.4 (MANE Select); coding-DNA position 950, A replaced by G.
Protein change: p.Gln317Arg; replaces glutamine 317 with arginine.
Molecular consequence: missense variant.
Genome position (GRCh38, 1-based): chr9:27,018,663, A>G. VCF-style: chr9-27018663-A-G. GRCh37 (hg19) VCF-style: chr9-27018661-A-G.
Other names: c.950A>G, p.Gln317Arg (NM_001099222.3, NM_001099223.3, NM_001099224.3 and 1 more transcripts); short protein forms Q317R.
Identifiers: ClinVar variation 3061626 (VCV003061626.3), dbSNP rs536411146, ClinGen allele CA191317056.